The following is an entry in ClinVar:

ClinVar aggregate classification (germline): Pathogenic/Likely pathogenic. Review status: criteria provided, multiple submitters, no conflicts (2 of 4 stars). 7 submissions from 7 submitters: Pathogenic (3); Likely pathogenic (4). Last evaluated 2025-12-28.

Conditions:
Mitochondrial DNA depletion syndrome, myopathic form (MTDPS2). Also called: MITOCHONDRIAL DNA DEPLETION MYOPATHY, TK2-RELATED; TK2-Related Mitochondrial DNA Maintenance Defect, Myopathic Form; MITOCHONDRIAL DNA DEPLETION SYNDROME 2 (MYOPATHIC TYPE). Identifiers: Orphanet 254875, MedGen C3149750, MONDO:0012301, OMIM 609560.
Autosomal recessive TK2-related disorders.
Mitochondrial disease. Also called: Mitochondrial disorders; Mitochondrial disorder. Identifiers: Orphanet 68380, MedGen C0751651, MeSH D028361, MONDO:0044970.
Progressive external ophthalmoplegia with mitochondrial DNA deletions, autosomal recessive 3 (PEOB3). Also called: PROGRESSIVE EXTERNAL OPHTHALMOPLEGIA, AUTOSOMAL RECESSIVE 3. Identifiers: Orphanet 254886, MedGen C4310734, MONDO:0014898, OMIM 617069.
Mitochondrial DNA depletion syndrome. Also called: mitochondrial DNA depletion. Identifiers: Orphanet 35698, MedGen C0342782, MONDO:0018158.

Allele frequency attached by ClinVar (database versions not stated): ExAC 0.00008; gnomAD 0.00013; 1000 Genomes Project 30x 0.00031; 1000 Genomes Project 0.00040.
gnomAD v4.1: 137 of 1,614,082 alleles (0.0085%); highest among the groups gnomAD compares: East Asian, 0.029%; no homozygotes.

Submissions (7):

Labcorp Genetics (formerly Invitae), Labcorp
Classification: Pathogenic. Last evaluated: 2025-12-28. Review status: criteria provided, single submitter. Criteria: Invitae Variant Classification Sherloc (09022015). Collection method: clinical testing. Allele origin: germline.
Comment: This sequence change replaces alanine, which is neutral and non-polar, with threonine, which is neutral and polar, at codon 139 of the TK2 protein (p.Ala139Thr). This variant is present in population databases (rs138479499, gnomAD 0.05%). This missense change has been observed in individual(s) with TK2-related myopathy (PMID: 29602790, 30831263, 31060578). ClinVar contains an entry for this variant (Variation ID: 1410181). Invitae Evidence Modeling of protein sequence and biophysical properties (such as structural, functional, and spatial information, amino acid conservation, physicochemical variation, residue mobility, and thermodynamic stability) has been performed for this missense variant. However, the output from this modeling did not meet the statistical confidence thresholds required to predict the impact of this variant on TK2 protein function. This variant disrupts the p.Ala139 amino acid residue in TK2. Other variant(s) that disrupt this residue have been determined to be pathogenic (PMID: 16504786, 25446393). This suggests that this residue is clinically significant, and that variants that disrupt this residue are likely to be disease-causing. For these reasons, this variant has been classified as Pathogenic.

Genomenon, Inc
Classification: Likely pathogenic for Mitochondrial disease. Last evaluated: 2025-11-24. Review status: criteria provided, single submitter. Criteria: Genomenon Sequence Variant Interpretation Standards - Updated. Collection method: curation. Allele origin: germline. Affected: yes.
Comment: TK2 p.Ala139Thr (c.415G>A) is a missense variant that changes the amino acid at residue 139 from Alanine to Threonine. This variant has been observed in multiple probands affected with mitochondrial disease in the compound heterozygous state (35907766, 29602790, 38544965, 30831263, 40089535). This variant is not present at a significant frequency in gnomAD and in silico models agree that this variant is possibly or probably damaging. In conclusion, we classify TK2 p.Ala139Thr (c.415G>A) as a likely pathogenic variant.

Variantyx, Inc.
Classification: Likely pathogenic for Autosomal recessive TK2-related disorders. Last evaluated: 2025-07-31. Review status: criteria provided, single submitter. Criteria: Variantyx Assertion Criteria 2022. Collection method: clinical testing. Allele origin: germline. Inheritance: Autosomal recessive inheritance. Affected: no.
Comment: This is a nonsynonymous variant in the TK2 gene (OMIM: 188250). Pathogenic variants in this gene have been associated with autosomal recessive TK2-related disorders. This variant has been identified in the homozygous or compound heterozygous state in at least 4 individuals reported in the published literature (PMID: 31060578, 29602790, 35907766) (PM3). Multiple computational algorithms predict a deleterious effect for this variant (REVEL score: 0.776) (PP3), and an alternate amino acid change at this position (p.Ala139Val) has been previously reported in affected individuals (PMID: 16504786, 25446393) (PM5). This variant has a 0.0290% maximum allele frequency in non-founder control populations (PM2). Based on the current evidence, this variant is classified as likely pathogenic for autosomal recessive TK2-related disorders.

Fulgent Genetics
Classification: Likely pathogenic for Mitochondrial DNA depletion syndrome, myopathic form; Progressive external ophthalmoplegia with mitochondrial DNA deletions, autosomal recessive 3. Last evaluated: 2024-04-05. Review status: criteria provided, single submitter. Criteria: ACMG Guidelines, 2015. Collection method: clinical testing. Allele origin: germline.

Women's Health and Genetics/Laboratory Corporation of America, LabCorp
Classification: Pathogenic for Mitochondrial DNA depletion syndrome. Last evaluated: 2024-04-04. Review status: criteria provided, single submitter. Criteria: LabCorp Variant Classification Summary - May 2015. Collection method: clinical testing. Allele origin: germline.
Comment: Variant summary: TK2 c.415G>A (p.Ala139Thr) results in a non-conservative amino acid change located in the Deoxynucleoside kinase domain (IPR031314) of the encoded protein sequence. Four of five in-silico tools predict a damaging effect of the variant on protein function. The variant allele was found at a frequency of 6.8e-05 in 251354 control chromosomes. This frequency is not significantly higher than estimated for a pathogenic variant in TK2 causing Mitochondrial DNA Depletion Syndrome - TK2 Related (6.8e-05 vs 0.0011), allowing no conclusion about variant significance. c.415G>A has been reported in the literature as a compound heterozygous genotype in individuals affected with features of Mitochondrial DNA Depletion Syndrome - TK2 Related (e.g. Garone_2018, Nogueira_2019, Dominguez-Gonzalez_2019, Dominguez-Gonzalez_2022). These data indicate that the variant is likely to be associated with disease. To our knowledge, no experimental evidence demonstrating an impact on protein function has been reported. A different variant located at the same codon (c.416C>T, p.Ala139Val) has been classified as pathogenic by our lab, supporting a critical relevance of this residue to TK2 protein function. The following publications have been ascertained in the context of this evaluation (PMID: 35907766, 31060578, 29602790, 30831263). ClinVar contains an entry for this variant (Variation ID: 1410181). Based on the evidence outlined above, the variant was classified as pathogenic.

Department of Pathology and Laboratory Medicine, Sinai Health System
Classification: Likely pathogenic for Mitochondrial DNA depletion syndrome, myopathic form; Progressive external ophthalmoplegia with mitochondrial DNA deletions, autosomal recessive 3. Last evaluated: 2023-09-09. Review status: criteria provided, single submitter. Criteria: ACMG Guidelines, 2015. Collection method: research. Allele origin: germline.

Clinical Genetics Service, Universitary Hospital 12 de Octubre
Classification: Pathogenic for Mitochondrial DNA depletion syndrome, myopathic form. Review status: criteria provided, single submitter. Criteria: ACMG Guidelines, 2015. Collection method: clinical testing. Allele origin: germline. Affected: yes.

Literature cited by the submitters: PubMed 29602790 (cited by 4 submitters); PubMed 30831263 (cited by 3 submitters); PubMed 31060578 (cited by 3 submitters); PubMed 16504786 (cited by Labcorp Genetics (formerly Invitae), Labcorp and Variantyx, Inc.); PubMed 25446393 (cited by Labcorp Genetics (formerly Invitae), Labcorp and Variantyx, Inc.); PubMed 35907766 (cited by 3 submitters); PubMed 38544965 (cited by Genomenon, Inc); PubMed 40089535 (cited by Genomenon, Inc).

NM_004614.5(TK2):c.415G>A (p.Ala139Thr)

Gene: TK2 (thymidine kinase 2; minus strand). Cytogenetic location: 16q21.
Variant type: single nucleotide variant.
Coding change: c.415G>A on transcript NM_004614.5 (MANE Select); coding-DNA position 415, G replaced by A.
Protein change: p.Ala139Thr; replaces alanine 139 with threonine.
Molecular consequence: missense variant. On other transcripts: non-coding transcript variant (1).
Genome position (GRCh38, 1-based): chr16:66,529,028, C>T on the plus strand (G>A on the coding strand, the complement: TK2 is on the minus strand). VCF-style: chr16-66529028-C-T. GRCh37 (hg19) VCF-style: chr16-66562931-C-T.
Other names: c.322G>A, p.Ala108Thr (NM_001172643.1, NM_001271935.1); c.340G>A, p.Ala114Thr (NM_001172644.2); c.361G>A, p.Ala121Thr (NM_001172645.2); c.268G>A, p.Ala90Thr (NM_001271934.2); c.124G>A, p.Ala42Thr (NM_001272050.2); short protein forms A139T, A42T, A90T, A114T, A121T, A108T.
Identifiers: ClinVar variation 1410181 (VCV001410181.13), dbSNP rs138479499, ClinGen allele CA323276.